The following is an entry in ClinVar:

ClinVar aggregate classification (germline): Uncertain significance (1 of 4 stars; one submission).

Allele frequency attached by ClinVar (database versions not stated): gnomAD 0.00001.
gnomAD v4.1: 1 of 1,614,038 alleles (0.000062%); highest among the groups gnomAD compares: Non-Finnish European, 0.000085%; no homozygotes.

Submission:

Labcorp Genetics (formerly Invitae), Labcorp
Classification: Uncertain significance. Last evaluated: 2022-10-03. Review status: criteria provided, single submitter. Criteria: Invitae Variant Classification Sherloc (09022015). Collection method: clinical testing. Allele origin: germline.
Comment: In summary, the available evidence is currently insufficient to determine the role of this variant in disease. Therefore, it has been classified as a Variant of Uncertain Significance. Advanced modeling of protein sequence and biophysical properties (such as structural, functional, and spatial information, amino acid conservation, physicochemical variation, residue mobility, and thermodynamic stability) has been performed at Invitae for this missense variant, however the output from this modeling did not meet the statistical confidence thresholds required to predict the impact of this variant on KMT2A protein function. This variant has not been reported in the literature in individuals affected with KMT2A-related conditions. This variant is present in population databases (no rsID available, gnomAD 0.007%). This sequence change replaces glutamic acid, which is acidic and polar, with lysine, which is basic and polar, at codon 1464 of the KMT2A protein (p.Glu1464Lys).

NM_001197104.2(KMT2A):c.4390G>A (p.Glu1464Lys)

Gene: KMT2A (lysine methyltransferase 2A; plus strand). Cytogenetic location: 11q23.3.
Variant type: single nucleotide variant.
Coding change: c.4390G>A on transcript NM_001197104.2 (MANE Select); coding-DNA position 4390, G replaced by A.
Protein change: p.Glu1464Lys; replaces glutamic acid 1464 with lysine.
Molecular consequence: missense variant.
Genome position (GRCh38, 1-based): chr11:118,488,671, G>A. VCF-style: chr11-118488671-G-A. GRCh37 (hg19) VCF-style: chr11-118359386-G-A.
Other names: c.4489G>A, p.Glu1497Lys (NM_001412597.1); c.4390G>A, p.Glu1464Lys (NM_005933.4); short protein forms E1464K, E1497K.
Identifiers: ClinVar variation 1720882 (VCV001720882.5), dbSNP rs1555041608, ClinGen allele CA382832187.